The following is an entry in ClinVar:

ClinVar aggregate classification (germline): Conflicting classifications of pathogenicity. Review status: criteria provided, conflicting classifications (1 of 4 stars). 14 submissions from 10 submitters: Uncertain significance (9); Likely benign (5). Last evaluated 2026-09-14.

Conditions:
TTN-related disorder. Also called: TTN-related disorders; TTN-related condition; TTN-related disease.
Cardiovascular phenotype. Identifiers: MedGen CN230736.
Dilated cardiomyopathy 1G (CMD1G). Identifiers: Orphanet 154, MedGen C1858763, MONDO:0011400, OMIM 604145.
Autosomal recessive limb-girdle muscular dystrophy type 2J (LGMDR10). Also called: Limb-girdle muscular dystrophy, type 2J; MUSCULAR DYSTROPHY, LIMB-GIRDLE, AUTOSOMAL RECESSIVE 10. Identifiers: Orphanet 140922, MedGen C1837342, MONDO:0012127, OMIM 608807.
Early-onset myopathy with fatal cardiomyopathy (CMYO5). Also called: CONGENITAL MYOPATHY 5 WITH CARDIOMYOPATHY; Salih Myopathy. Identifiers: Orphanet 289377, MedGen C2673677, MONDO:0012714, OMIM 611705. Disease mechanism: loss of function.
Myopathy, myofibrillar, 9, with early respiratory failure (MFM9). Also called: Hereditary myopathy with early respiratory failure; MYOPATHY, PROXIMAL, WITH EARLY RESPIRATORY MUSCLE INVOLVEMENT; EDSTROM MYOPATHY; Myopathy, distal, with early respiratory failure, autosomal dominant. Identifiers: Orphanet 178464, Orphanet 34521, MedGen C1863599, MONDO:0011362, OMIM 603689.
Tibial muscular dystrophy (TMD). Also called: UDD MYOPATHY; Tibial muscular dystrophy, tardive; Udd Distal Myopathy – Tibial Muscular Dystrophy. Identifiers: Orphanet 609, MedGen C1838244, MONDO:0010870, OMIM 600334.

Allele frequency attached by ClinVar (database versions not stated): TOPMed 0.00004; gnomAD exomes 0.00005; ExAC 0.00007; gnomAD 0.00009 and 0.00011; ESP Exome Variant Server 0.00023; 1000 Genomes Project 30x 0.00031; 1000 Genomes Project 0.00040.

Submissions (14):

PreventionGenetics, part of Exact Sciences
Classification: Uncertain significance for TTN-related condition. Last evaluated: 2026-09-14. Review status: criteria provided, single submitter. Criteria: ACMG Guidelines, 2015. Collection method: clinical testing. Allele origin: germline.
Comment: The TTN c.1585G>A variant is predicted to result in the amino acid substitution p.Ala529Thr. This variant has been reported in an individual from an exome sequencing cohort in which cardiomyopathy-associated genes were evaluated; however, detailed clinical findings were unavailable (Supplemental Table 3, Ng et al. 2013. PubMed ID: 23861362). This variant is reported in 0.015% of alleles in individuals of East Asian descent in gnomAD. At this time, the clinical significance of this variant is uncertain due to the absence of conclusive functional and genetic evidence.

Women's Health and Genetics/Laboratory Corporation of America, LabCorp
Classification: Uncertain significance. Last evaluated: 2026-02-09. Review status: criteria provided, single submitter. Criteria: LabCorp Variant Classification Summary - May 2015. Collection method: clinical testing. Allele origin: germline.
Comment: Variant summary: TTN c.1585G>A (p.Ala529Thr) results in a non-conservative amino acid change located in the Z-disk domain of the encoded protein sequence. Algorithms developed to predict the effect of missense changes on protein structure and function are either unavailable or do not agree on the potential impact of this missense change. The variant allele was found at a frequency of 5.2e-05 in 249508 control chromosomes. This frequency is not significantly higher than estimated for disease-causing variants in TTN, allowing no conclusion about variant significance. To our knowledge, no occurrence of c.1585G>A in individuals affected with TTN-related conditions and no experimental evidence demonstrating its impact on protein function have been reported. The following publications have been ascertained in the context of this evaluation (PMID: 35982159, 33057194). ClinVar contains an entry for this variant (Variation ID: 178275). Based on the evidence outlined above, the variant was classified as uncertain significance.

CeGaT Center for Human Genetics Tuebingen
Classification: Likely benign. Last evaluated: 2024-08-01. Review status: criteria provided, single submitter. Criteria: CeGaT Center For Human Genetics Tuebingen Variant Classification Criteria Version 2. Collection method: clinical testing. Allele origin: germline. Affected: yes. Observed: 6 variant alleles.
Comment: TTN: BP4

Revvity Omics, Revvity
Classification: Uncertain significance. Last evaluated: 2023-03-27. Review status: criteria provided, single submitter. Criteria: ACMG Guidelines, 2015. Collection method: clinical testing. Allele origin: germline.

Ambry Genetics
Classification: Likely benign for Cardiovascular phenotype. Last evaluated: 2019-08-11. Review status: criteria provided, single submitter. Criteria: Ambry Variant Classification Scheme 2023. Collection method: clinical testing. Allele origin: germline.

Illumina Laboratory Services, Illumina
Classification: Likely benign for Tibial muscular dystrophy. Last evaluated: 2018-01-13. Review status: criteria provided, single submitter. Criteria: ICSL Variant Classification Criteria 13 December 2019. Collection method: clinical testing. Allele origin: germline.
Comment: This variant was observed in the ICSL laboratory as part of a predisposition screen in an ostensibly healthy population. It had not been previously curated by ICSL or reported in the Human Gene Mutation Database (HGMD: prior to June 1st, 2018), and was therefore a candidate for classification through an automated scoring system. Utilizing variant allele frequency, disease prevalence and penetrance estimates, and inheritance mode, an automated score was calculated to assess if this variant is too frequent to cause the disease. Based on the score and internal cut-off values, a variant classified as likely benign is not then subjected to further curation. The score for this variant resulted in a classification of likely benign for this disease.

Illumina Laboratory Services, Illumina
Classification: Uncertain significance for Early-onset myopathy with fatal cardiomyopathy. Last evaluated: 2018-01-13. Review status: criteria provided, single submitter. Criteria: ICSL Variant Classification Criteria 13 December 2019. Collection method: clinical testing. Allele origin: germline.

Illumina Laboratory Services, Illumina
Classification: Uncertain significance for Autosomal recessive limb-girdle muscular dystrophy type 2J. Last evaluated: 2018-01-13. Review status: criteria provided, single submitter. Criteria: ICSL Variant Classification Criteria 13 December 2019. Collection method: clinical testing. Allele origin: germline.

Illumina Laboratory Services, Illumina
Classification: Uncertain significance for Dilated cardiomyopathy 1G. Last evaluated: 2018-01-13. Review status: criteria provided, single submitter. Criteria: ICSL Variant Classification Criteria 13 December 2019. Collection method: clinical testing. Allele origin: germline.

Illumina Laboratory Services, Illumina
Classification: Likely benign for Myopathy, myofibrillar, 9, with early respiratory failure. Last evaluated: 2018-01-13. Review status: criteria provided, single submitter. Criteria: ICSL Variant Classification Criteria 13 December 2019. Collection method: clinical testing. Allele origin: germline.
Comment: the same text as in the submission from Illumina Laboratory Services, Illumina above.

Labcorp Genetics (formerly Invitae), Labcorp
Classification: Uncertain significance for Dilated cardiomyopathy 1G; Autosomal recessive limb-girdle muscular dystrophy type 2J. Last evaluated: 2017-12-01. Review status: criteria provided, single submitter. Criteria: Invitae Variant Classification Sherloc (09022015). Collection method: clinical testing. Allele origin: germline.

Eurofins Ntd Llc (ga)
Classification: Uncertain significance. Last evaluated: 2017-03-07. Review status: criteria provided, single submitter. Criteria: EGL Classification Definitions 2015. Collection method: clinical testing. Allele origin: germline. Observed: 1 variant allele, 1 heterozygote.

Laboratory for Molecular Medicine, Mass General Brigham Personalized Medicine
Classification: Likely benign. Last evaluated: 2013-08-22. Review status: criteria provided, single submitter. Criteria: LMM Criteria. Collection method: clinical testing. Allele origin: germline. Observed: 1 variant allele.
Comment: Ala529Thr in exon 10 of TTN: This variant is not expected to have clinical signi ficance due to a lack of conservation in mammals and across species. Of note, >1 0 mammals have a threonine (Thr; this variant) at this position despite high nea rby amino acid conservation. In addition, computational analyses (AlignGVGD, Pol yPhen2, SIFT) do not suggest a high likelihood of impact to the protein. This va riant has been identified in 1/4398 African American chromosomes and 1/8592 Euro pean American chromosomes from a broad population by the NHLBI Exome Sequencing Project (dbSNP rs143030869).

Biesecker Lab/Clinical Genomics Section, National Institutes of Health
Classification: Uncertain significance. Last evaluated: 2013-06-24. Review status: criteria provided, single submitter. Criteria: Ng et al. (Circ Cardiovasc Genet. 2013). Collection method: research. Allele origin: unknown. Observed: 1 variant allele. Study: ClinSeq.
Comment: The study set was not selected for affection status in relation to any cancer. Pathogenicity categories were based on literature curation. See Pubmed ID:23861362 for details.

Medical sequencing

Literature cited by the submitters: PubMed 35982159 (cited by Women's Health and Genetics/Laboratory Corporation of America, LabCorp); PubMed 33057194 (cited by Women's Health and Genetics/Laboratory Corporation of America, LabCorp).

NM_001267550.2(TTN):c.1585G>A (p.Ala529Thr)

Gene: TTN (titin; minus strand). Cytogenetic location: 2q31.2.
Variant type: single nucleotide variant.
Coding change: c.1585G>A on transcript NM_001267550.2 (MANE Select); coding-DNA position 1585, G replaced by A.
Protein change: p.Ala529Thr; replaces alanine 529 with threonine.
Molecular consequence: missense variant.
Genome position (GRCh38, 1-based): chr2:178,792,149, C>T on the plus strand (G>A on the coding strand, the complement: TTN is on the minus strand). VCF-style: chr2-178792149-C-T. GRCh37 (hg19) VCF-style: chr2-179656876-C-T.
Other names: c.1585G>A, p.Ala529Thr (NM_001256850.1, NM_003319.4, NM_133379.5 and 3 more transcripts); short protein forms A529T.
Identifiers: ClinVar variation 178275 (VCV000178275.63), dbSNP rs143030869, ClinGen allele CA182006.
Genomic context (GRCh38, chr2:178,792,149, plus strand): 5'-GTTTCTGTTTCTTAGTAATTTCTTCAGAAATTCTAGTTTCTTGTTCTTTGGCTTTAGCTG[C>T]GGAAATTACTACCTTTGGTACAAATGTTTTTTCAGTTTCTTTTCTTATCTGCAAAGAATG-3'
Protein context (NP_001254479.2, residues 519-539): KTFVPKVVIS[Ala529Thr]AKAKEQETRI